The following is an entry in ClinVar:

NM_001282531.3(ADNP):c.3171A>C (p.Leu1057Phe)

Gene: ADNP (activity dependent neuroprotector homeobox; minus strand). Cytogenetic location: 20q13.13.
Variant type: single nucleotide variant.
Coding change: c.3171A>C on transcript NM_001282531.3 (MANE Select); coding-DNA position 3171, A replaced by C.
Protein change: p.Leu1057Phe; replaces leucine 1057 with phenylalanine.
Molecular consequence: missense variant.
Genome position (GRCh38, 1-based): chr20:50,891,543, T>G on the plus strand (A>C on the coding strand, the complement: ADNP is on the minus strand). VCF-style: chr20-50891543-T-G. GRCh37 (hg19) VCF-style: chr20-49508080-T-G.
Other names: c.3171A>C, p.Leu1057Phe (NM_001282532.2, NM_001347511.2, NM_015339.5 and 1 more transcripts); c.3387A>C, p.Leu1129Phe (NM_001439000.1); c.2487A>C, p.Leu829Phe (NM_001439001.1); short protein forms L1057F, L1129F, L829F.
Identifiers: ClinVar variation 4883694 (VCV004883694.2).
Genomic context (GRCh38, chr20:50,891,543, plus strand): 5'-AAACTGTTCCCCATCCTCACTGTCAATTGTGCTATTCTGCCACTCAATCTGGGGGTTAGA[T>G]AAGCGCTCATCATTCTCAGATGCATTCTTCCACTGTGACTGGTCCTTAGACCAAAACCCT-3'
Protein context (NP_001269460.1, residues 1047-1067): WKNASENDER[Leu1057Phe]SNPQIEWQNS

ClinVar aggregate classification (germline): Uncertain significance (1 of 4 stars; one submission).

gnomAD v4.1: 1 of 1,611,996 alleles (0.000062%); highest among the groups gnomAD compares: African/African-American, 0.0013%; no homozygotes.

Submission:

Dasa
Classification: Uncertain significance. Last evaluated: 2025-09-19. Review status: criteria provided, single submitter. Criteria: DASA Assertion Criteria. Collection method: clinical testing. Allele origin: germline.
Comment: NM_001282531.3(ADNP):c.3171A>C (p.Leu1057Phe) is a missense variant that results in the substitution of leucine with phenylalanine. This variant is rare in population databases. The currently available literature and clinical evidence are not sufficient to establish a definitive association between this variant and the reported condition. Therefore, this variant is classified as a variant of uncertain significance.